The following is an entry in ClinVar:

NM_003982.4(SLC7A7):c.161G>T (p.Gly54Val)

Gene: SLC7A7 (solute carrier family 7 member 7; minus strand). Cytogenetic location: 14q11.2.
Variant type: single nucleotide variant.
Coding change: c.161G>T on transcript NM_003982.4 (MANE Select); coding-DNA position 161, G replaced by T.
Protein change: p.Gly54Val; replaces glycine 54 with valine.
Molecular consequence: missense variant.
Genome position (GRCh38, 1-based): chr14:22,813,238, C>A on the plus strand (G>T on the coding strand, the complement: SLC7A7 is on the minus strand). VCF-style: chr14-22813238-C-A. GRCh37 (hg19) VCF-style: chr14-23282447-C-A.
Other names: c.161G>T, p.Gly54Val (NM_001126105.3, NM_001126106.4); short protein forms G54V.
Identifiers: ClinVar variation 6211 (VCV000006211.10), dbSNP rs121908677, ClinGen allele CA253808.

ClinVar aggregate classification (germline): Conflicting classifications of pathogenicity. Review status: criteria provided, conflicting classifications (1 of 4 stars). 4 submissions from 4 submitters: Pathogenic (1); Likely pathogenic (1); Uncertain significance (1). 1 of the submissions does not count toward it. Last evaluated 2025-05-01.

Conditions:
SLC7A7-related disorder. Also called: SLC7A7-related condition.
Lysinuric protein intolerance (LPI). Identifiers: Orphanet 470, MedGen C0268647, MONDO:0009109, OMIM 222700.

Allele frequency attached by ClinVar (database versions not stated): gnomAD exomes below 0.00001; ExAC 0.00001; gnomAD 0.00001.
gnomAD v4.1: 8 of 1,613,766 alleles (0.0005%); highest among the groups gnomAD compares: Non-Finnish European, 0.00059%; no homozygotes.

Submissions (4):

Natera, Inc.
Classification: Likely pathogenic for Lysinuric protein intolerance. Last evaluated: 2025-05-01. Review status: criteria provided, single submitter. Criteria: Natera Variant Classification Schema (03/2026). Collection method: clinical testing. Allele origin: germline.
Comment: The c.161G>T variant in SLC7A7 is a missense variant predicted to cause substitution of glycine to valine at amino acid 54. This variant is rare in the general population with a frequency below the threshold expected for the associated phenotype(s). This variant has been observed in one or more individuals affected with the associated recessive disease, as either homozygous or compound heterozygous with a second variant (PMID: 10655553). This variant has been identified in one or more affected individual with a phenotype highly consistent with the associated gene (PMID: 10655553). Computational prediction algorithms indicate this variant is likely to affect gene or protein function. Given the available evidence, this variant is classified as Likely Pathogenic.

Blueprint Genetics
Classification: Pathogenic for SLC7A7-related disorders. Last evaluated: 2022-05-17. Review status: criteria provided, single submitter. Criteria: ACMG Guidelines, 2015. Collection method: clinical testing. Allele origin: germline. Affected: yes. Observed: 2 variant alleles.

Labcorp Genetics (formerly Invitae), Labcorp
Classification: Uncertain significance for Lysinuric protein intolerance. Last evaluated: 2021-08-24. Review status: criteria provided, single submitter. Criteria: Invitae Variant Classification Sherloc (09022015). Collection method: clinical testing. Allele origin: germline.
Comment: This sequence change replaces glycine with valine at codon 54 of the SLC7A7 protein (p.Gly54Val). The glycine residue is highly conserved and there is a moderate physicochemical difference between glycine and valine. This variant is present in population databases (rs121908677, ExAC 0.02%). This missense change has been observed in individuals with lysinuric protein intolerance (PMID: 10655553). ClinVar contains an entry for this variant (Variation ID: 6211). Algorithms developed to predict the effect of missense changes on protein structure and function (SIFT, PolyPhen-2, Align-GVGD) all suggest that this variant is likely to be disruptive. Experimental studies have shown that this missense change affects SLC7A7 function (PMID: 10655553, 11883940, 23940088). In summary, the available evidence is currently insufficient to determine the role of this variant in disease. Therefore, it has been classified as a Variant of Uncertain Significance.

OMIM
Classification: Pathogenic for LYSINURIC PROTEIN INTOLERANCE. Last evaluated: 2008-01-01. Review status: no assertion criteria provided. Collection method: literature only. Allele origin: germline. Not counted in ClinVar's aggregate classification.

Literature cited by the submitters: PubMed 10655553 (cited by 3 submitters); PubMed 11883940 (cited by Labcorp Genetics (formerly Invitae), Labcorp); PubMed 23940088 (cited by Labcorp Genetics (formerly Invitae), Labcorp); PubMed 17764084 (cited by OMIM).